The following is an entry in ClinVar:

ClinVar aggregate classification (germline): Pathogenic (1 of 4 stars; one submission).

Conditions:
Long QT syndrome (LQTS). Identifiers: MedGen C0023976, MeSH D008133, MONDO:0002442. Disease mechanism: loss of function. Inheritance: Various modes of inheritance.

Submission:

Labcorp Genetics (formerly Invitae), Labcorp
Classification: Pathogenic for Long QT syndrome. Last evaluated: 2018-04-30. Review status: criteria provided, single submitter. Criteria: Invitae Variant Classification Sherloc (09022015). Collection method: clinical testing. Allele origin: germline.
Comment: For these reasons, this variant has been classified as Pathogenic. Loss-of-function variants in KCNH2 are known to be pathogenic (PMID: 19862833). This variant has not been reported in the literature in individuals with KCNH2-related disease. This variant is not present in population databases (ExAC no frequency). This sequence change creates a premature translational stop signal (p.Pro157Glnfs*9) in the KCNH2 gene. It is expected to result in an absent or disrupted protein product.

Literature cited by the submitters: PubMed 19862833.

NM_000238.4(KCNH2):c.470del (p.Pro157fs)

Gene: KCNH2 (potassium voltage-gated channel subfamily H member 2; minus strand). Cytogenetic location: 7q36.1.
Variant type: Deletion.
Coding change: c.470del on transcript NM_000238.4 (MANE Select); coding-DNA position 470, one base deleted (C; older notation c.470delC).
Protein change: p.Pro157fs; shifts the reading frame from proline 157.
Molecular consequence: frameshift variant.
Genome position (GRCh38, 1-based): chr7:150,959,574, G deleted on the plus strand (C on the coding strand, the reverse complement: KCNH2 is on the minus strand); the first of 4 consecutive G bases (chr7:150,959,574-150,959,577); deleting any one gives the same sequence. VCF-style (leftmost placement, unchanged base first): chr7-150959573-TG-T. GRCh37 (hg19) VCF-style: chr7-150656661-TG-T.
Other names: c.470delC (NM_000238.3); c.179delC, p.Pro61Glnfs (NM_001406753.1, NM_001406756.1); c.290delC, p.Pro98Glnfs (NM_001406755.1); c.167delC, p.Pro57Glnfs (NM_001406757.1); c.467delC, p.Pro157Glnfs (NM_172056.3); short protein forms P157fs.
Identifiers: ClinVar variation 526969 (VCV000526969.8), dbSNP rs1554428170, ClinGen allele CA658797052.